The following is an entry in ClinVar:

ClinVar aggregate classification (germline): Uncertain significance (1 of 4 stars; one submission).

gnomAD v4.1: 1 of 1,614,072 alleles (0.000062%); highest among the groups gnomAD compares: Non-Finnish European, 0.000085%; no homozygotes.

Submission:

Labcorp Genetics (formerly Invitae), Labcorp
Classification: Uncertain significance. Last evaluated: 2020-08-06. Review status: criteria provided, single submitter. Criteria: Invitae Variant Classification Sherloc (09022015). Collection method: clinical testing. Allele origin: germline.
Comment: This variant is not present in population databases (ExAC no frequency). This sequence change replaces methionine with threonine at codon 892 of the MSH3 protein (p.Met892Thr). The methionine residue is moderately conserved and there is a moderate physicochemical difference between methionine and threonine. This variant has not been reported in the literature in individuals with MSH3-related conditions. Algorithms developed to predict the effect of missense changes on protein structure and function are either unavailable or do not agree on the potential impact of this missense change (SIFT: "Tolerated"; PolyPhen-2: "Probably Damaging"; Align-GVGD: "Class C0"). In summary, the available evidence is currently insufficient to determine the role of this variant in disease. Therefore, it has been classified as a Variant of Uncertain Significance.

NM_002439.5(MSH3):c.2675T>C (p.Met892Thr)

Gene: MSH3 (mutS homolog 3; plus strand). Cytogenetic location: 5q14.1.
Variant type: single nucleotide variant.
Coding change: c.2675T>C on transcript NM_002439.5 (MANE Select); coding-DNA position 2675, T replaced by C.
Protein change: p.Met892Thr; replaces methionine 892 with threonine.
Molecular consequence: missense variant.
Genome position (GRCh38, 1-based): chr5:80,813,603, T>C. VCF-style: chr5-80813603-T-C. GRCh37 (hg19) VCF-style: chr5-80109422-T-C.
Other names: short protein forms M892T.
Identifiers: ClinVar variation 1051771 (VCV001051771.9), dbSNP rs2112054150, ClinGen allele CA360273842.